The following is an entry in ClinVar:

ClinVar aggregate classification (germline): Likely benign (1 of 4 stars; one submission).

Submission:

GeneDx
Classification: Likely benign. Last evaluated: 2017-10-19. Review status: criteria provided, single submitter. Criteria: GeneDx Variant Classification (06012015). Collection method: clinical testing. Allele origin: germline. Affected: yes.
Comment: This variant is considered likely benign or benign based on one or more of the following criteria: it is a conservative change, it occurs at a poorly conserved position in the protein, it is predicted to be benign by multiple in silico algorithms, and/or has population frequency not consistent with disease.

NM_001127222.2(CACNA1A):c.4347G>C (p.Leu1449=)

Gene: CACNA1A (calcium voltage-gated channel subunit alpha1 A; minus strand). Cytogenetic location: 19p13.13.
Variant type: single nucleotide variant.
Coding change: c.4347G>C on transcript NM_001127222.2 (MANE Select); coding-DNA position 4347, G replaced by C.
Protein change: p.Leu1449=; no amino-acid change (leucine 1449 retained).
Molecular consequence: synonymous variant.
Genome position (GRCh38, 1-based): chr19:13,259,605, C>G on the plus strand (G>C on the coding strand, the complement: CACNA1A is on the minus strand). VCF-style: chr19-13259605-C-G. GRCh37 (hg19) VCF-style: chr19-13370419-C-G.
Other names: c.4359G>C, p.Leu1453= (NM_000068.4, NM_023035.3); c.4350G>C, p.Leu1450= (NM_001127221.2, NM_001174080.2).
Identifiers: ClinVar variation 512750 (VCV000512750.1), dbSNP rs1419042501, ClinGen allele CA505659772.